The following is an entry in ClinVar:

ClinVar aggregate classification (germline): Uncertain significance (0 of 4 stars; one submission).

Conditions:
DNAJB4-related disorder. Also called: DNAJB4-related condition.

Submission:

PreventionGenetics, part of Exact Sciences
Classification: Uncertain significance for DNAJB4-related condition. Last evaluated: 2024-06-01. Review status: no assertion criteria provided. Collection method: clinical testing. Allele origin: germline.
Comment: The DNAJB4 c.924dupT variant is predicted to result in premature protein termination (p.Asp309*). To our knowledge, this variant has not been reported in the literature or in a large population database, indicating this variant is rare. Loss-of-function has not been established as a mechanism for DNAJB4-related disease. At this time, the clinical significance of this variant is uncertain due to the absence of conclusive functional and genetic evidence.

NM_007034.5(DNAJB4):c.924dup (p.Asp309Ter)

Gene: DNAJB4 (DnaJ heat shock protein family (Hsp40) member B4; plus strand). Cytogenetic location: 1p31.1.
Variant type: Duplication.
Coding change: c.924dup on transcript NM_007034.5 (MANE Select); coding-DNA position 924, one base duplicated (T; older notation c.924dupT).
Protein change: p.Asp309Ter; replaces aspartic acid 309 with a stop codon.
Molecular consequence: nonsense. On other transcripts: 3 prime UTR variant (1).
Genome position (GRCh38, 1-based): chr1:78,016,157, T duplicated. VCF-style (leftmost placement, unchanged base first): chr1-78016156-G-GT. GRCh37 (hg19) VCF-style: chr1-78481840-G-GT.
Other names: c.924dup, p.Asp309Ter (NM_001317099.2); c.804dup, p.Asp269Ter (NM_001317100.2); c.579dup, p.Asp194Ter (NM_001317101.2, NM_001317102.2); c.*121dup (NM_001317103.2); short protein forms D194*, D269*, D309*.
Identifiers: ClinVar variation 3346854 (VCV003346854.1).
Genomic context (GRCh38, chr1:78,016,156, plus strand): 5'-GAATGAGGAGAAGAATTATTGGATATGGGCTGCCATTTCCAAAAAATCCTGACCAACGTG[G>GT]TGACCTTCTAATAGAATTTGAGGTGTCCTTCCCAGATACTATATCTTCTTCATCCAAAGA-3'